The following is an entry in ClinVar:

NM_000368.5(TSC1):c.3412C>T (p.Pro1138Ser)

Gene: TSC1 (TSC complex subunit 1; minus strand). Cytogenetic location: 9q34.13.
Variant type: single nucleotide variant.
Coding change: c.3412C>T on transcript NM_000368.5 (MANE Select); coding-DNA position 3412, C replaced by T.
Protein change: p.Pro1138Ser; replaces proline 1138 with serine.
Molecular consequence: missense variant.
Genome position (GRCh38, 1-based): chr9:132,896,318, G>A on the plus strand (C>T on the coding strand, the complement: TSC1 is on the minus strand). VCF-style: chr9-132896318-G-A. GRCh37 (hg19) VCF-style: chr9-135771705-G-A.
Other names: c.3409C>T, p.Pro1137Ser (NM_001162426.2); c.3259C>T, p.Pro1087Ser (NM_001162427.2); c.3049C>T, p.Pro1017Ser (NM_001362177.2); short protein forms P1137S, P1017S, P1087S, P1138S.
Identifiers: ClinVar variation 1427454 (VCV001427454.11), dbSNP rs2131589157, ClinGen allele CA375366423.
Genomic context (GRCh38, chr9:132,896,318, plus strand): 5'-CATTGTAGTCCATGATATGTAGCTGTCCAACACTGTCCGGGGTCGGGGGAGACGGGTGAG[G>A]GCCATCTAGGTTCAGGGGAATCTTGGCTTCCACACCCAAGTCTTTGCCCAGTTCTGTCTT-3'
Protein context (NP_000359.1, residues 1128-1148): EAKIPLNLDG[Pro1138Ser]HPSPPTPDSV

ClinVar aggregate classification (germline): Conflicting classifications of pathogenicity. Review status: criteria provided, conflicting classifications (1 of 4 stars). 4 submissions from 4 submitters: Uncertain significance (3); Likely benign (1). Last evaluated 2026-07-10.

Conditions:
Hereditary cancer-predisposing syndrome. Also called: Hereditary Cancer Syndrome; Neoplastic Syndromes, Hereditary; Hereditary neoplastic syndrome; Tumor predisposition. Identifiers: Orphanet 140162, MedGen C0027672, MeSH D009386, MONDO:0015356.
Tuberous sclerosis syndrome (TSC). Also called: Tuberous Sclerosis Complex; Tuberous sclerosis. Identifiers: Orphanet 805, MedGen C0041341, MONDO:0001734.
Tuberous sclerosis 1 (TSC1). Identifiers: Orphanet 805, MedGen C1854465, MONDO:0008612, OMIM 191100.

Submissions (4):

Ambry Genetics
Classification: Likely benign for Hereditary cancer-predisposing syndrome. Last evaluated: 2026-07-10. Review status: criteria provided, single submitter. Criteria: Ambry Variant Classification Scheme 2023. Collection method: clinical testing. Allele origin: germline.

Labcorp Genetics (formerly Invitae), Labcorp
Classification: Uncertain significance for Tuberous sclerosis 1. Last evaluated: 2023-11-24. Review status: criteria provided, single submitter. Criteria: Invitae Variant Classification Sherloc (09022015). Collection method: clinical testing. Allele origin: germline.
Comment: This sequence change replaces proline, which is neutral and non-polar, with serine, which is neutral and polar, at codon 1138 of the TSC1 protein (p.Pro1138Ser). This variant is not present in population databases (gnomAD no frequency). This variant has not been reported in the literature in individuals affected with TSC1-related conditions. ClinVar contains an entry for this variant (Variation ID: 1427454). Algorithms developed to predict the effect of missense changes on protein structure and function output the following: SIFT: "Not Available"; PolyPhen-2: "Benign"; Align-GVGD: "Not Available". The serine amino acid residue is found in multiple mammalian species, which suggests that this missense change does not adversely affect protein function. In summary, the available evidence is currently insufficient to determine the role of this variant in disease. Therefore, it has been classified as a Variant of Uncertain Significance.

All of Us Research Program, National Institutes of Health
Classification: Uncertain significance for Tuberous sclerosis syndrome. Last evaluated: 2023-05-31. Review status: criteria provided, single submitter. Criteria: ACMG Guidelines, 2015. Collection method: clinical testing. Allele origin: germline. Inheritance: Autosomal dominant inheritance. Observed: 1 variant allele, 1 heterozygote.
Comment: This study involves interpretation of variants in research participants for the purpose of population health screening. Participant phenotype was not available at the time of variant classification. Additional details can be found in publication PMID: 35346344, PMCID: PMC8962531

GeneDx
Classification: Uncertain significance. Last evaluated: 2022-02-02. Review status: criteria provided, single submitter. Criteria: GeneDx Variant Classification Process June 2021. Collection method: clinical testing. Allele origin: germline. Affected: yes.
Comment: Not observed at significant frequency in large population cohorts (gnomAD); In silico analysis supports that this missense variant does not alter protein structure/function; Has not been previously published as pathogenic or benign to our knowledge